The following is an entry in ClinVar:

ClinVar aggregate classification (germline): Likely pathogenic (1 of 4 stars; one submission).

Conditions:
Leber congenital amaurosis 6 (LCA6). Identifiers: Orphanet 65, MedGen C1854260, MONDO:0013446, OMIM 613826.
Cone-rod dystrophy 13 (CORD13). Identifiers: Orphanet 1872, MedGen C2750720, MONDO:0011987, OMIM 608194.

gnomAD v4.1: 1 of 1,603,526 alleles (0.000062%); highest among the groups gnomAD compares: Non-Finnish European, 0.000085%; no homozygotes.

Submission:

Labcorp Genetics (formerly Invitae), Labcorp
Classification: Likely pathogenic for Leber congenital amaurosis 6; Cone-rod dystrophy 13. Last evaluated: 2025-12-08. Review status: criteria provided, single submitter. Criteria: Invitae Variant Classification Sherloc (09022015). Collection method: clinical testing. Allele origin: germline.
Comment: This sequence change affects a donor splice site in intron 14 of the RPGRIP1 gene. It is expected to disrupt RNA splicing. Variants that disrupt the donor or acceptor splice site typically lead to a loss of protein function (PMID: 16199547), and loss-of-function variants in RPGRIP1 are known to be pathogenic (PMID: 11528500, 23105016). This variant is not present in population databases (gnomAD no frequency). This variant has not been reported in the literature in individuals affected with RPGRIP1-related conditions. ClinVar contains an entry for this variant (Variation ID: 3751550). Algorithms developed to predict the effect of sequence changes on RNA splicing suggest that this variant may disrupt the consensus splice site. In summary, the currently available evidence indicates that the variant is pathogenic, but additional data are needed to prove that conclusively. Therefore, this variant has been classified as Likely Pathogenic.

Literature cited by the submitters: PubMed 16199547; PubMed 11528500; PubMed 23105016.

NM_020366.4(RPGRIP1):c.2215+2T>C

Gene: RPGRIP1 (RPGR interacting protein 1; plus strand). Cytogenetic location: 14q11.2.
Variant type: single nucleotide variant.
Coding change: c.2215+2T>C on transcript NM_020366.4 (MANE Select); the canonical splice donor site of the intron after coding-DNA position 2215, T replaced by C.
Molecular consequence: splice donor variant. On other transcripts: intron variant (4).
Genome position (GRCh38, 1-based): chr14:21,325,072, T>C. VCF-style: chr14-21325072-T-C. GRCh37 (hg19) VCF-style: chr14-21793231-T-C.
Other names: c.1141+2T>C (NM_001377948.1); c.796+347T>C (NM_001377949.1); c.689-2551T>C (NM_001377523.1, NM_001377950.1); c.191-2551T>C (NM_001377951.1).
Identifiers: ClinVar variation 3751550 (VCV003751550.2).
Genomic context (GRCh38, chr14:21,325,072, plus strand): 5'-TTGCTTTGACAGGGTGCTAGAGACTGTGGAGAAAGTCCATGGCTTGGCCACACTGATTGG[T>C]AAGTGCCGTTGGCTTCCTGCGGCTCCTAAGCACCAATGCAGAATTTCCCAAAGCCTACAG-3'